The following is an entry in ClinVar:

ClinVar aggregate classification (germline): Likely benign (1 of 4 stars; one submission).

Conditions:
DYRK1B-related disorder. Also called: DYRK1B-related condition.

gnomAD v4.1: 16 of 1,613,944 alleles (0.00099%); highest among the groups gnomAD compares: Non-Finnish European, 0.0013%; no homozygotes.

Submission:

PreventionGenetics, part of Exact Sciences
Classification: Likely benign for DYRK1B-related condition. Last evaluated: 2025-04-07. Review status: criteria provided, single submitter. Criteria: ACMG Guidelines, 2015. Collection method: clinical testing. Allele origin: germline.
Comment: This variant is classified as likely benign based on ACMG/AMP sequence variant interpretation guidelines (Richards et al. 2015 PMID: 25741868, with internal and published modifications).

NM_004714.3(DYRK1B):c.675G>A (p.Leu225=)

Gene: DYRK1B (dual specificity tyrosine phosphorylation regulated kinase 1B; minus strand). Cytogenetic location: 19q13.2.
Variant type: single nucleotide variant.
Coding change: c.675G>A on transcript NM_004714.3 (MANE Select); coding-DNA position 675, G replaced by A.
Protein change: p.Leu225=; no amino-acid change (leucine 225 retained).
Molecular consequence: synonymous variant.
Genome position (GRCh38, 1-based): chr19:39,828,429, C>T on the plus strand (G>A on the coding strand, the complement: DYRK1B is on the minus strand). VCF-style: chr19-39828429-C-T. GRCh37 (hg19) VCF-style: chr19-40319069-C-T.
Other names: c.675G>A, p.Leu225= (NM_006483.3, NM_006484.3).
Identifiers: ClinVar variation 4983130 (VCV004983130.1).